The following is an entry in ClinVar:

ClinVar aggregate classification (germline): Pathogenic/Likely pathogenic. Review status: criteria provided, multiple submitters, no conflicts (2 of 4 stars). 3 submissions from 3 submitters: Pathogenic (2); Likely pathogenic (1). Last evaluated 2022-11-18.

Conditions:
Hereditary breast ovarian cancer syndrome. Also called: Hereditary breast and ovarian cancer; Breast and ovarian cancer; Hereditary breast and/or ovarian cancer syndrome; BRCA1- and BRCA2-Associated Hereditary Breast and Ovarian Cancer; Hereditary breast and ovarian cancer syndrome; Hereditary breast and ovarian cancer syndrome (HBOC). Identifiers: Orphanet 145, MedGen C0677776, MeSH D061325, MONDO:0003582. Disease mechanism: loss of function.

Submissions (3):

Women's Health and Genetics/Laboratory Corporation of America, LabCorp
Classification: Pathogenic for Hereditary breast ovarian cancer syndrome. Last evaluated: 2022-11-18. Review status: criteria provided, single submitter. Criteria: LabCorp Variant Classification Summary - May 2015. Collection method: clinical testing. Allele origin: germline.
Comment: Variant summary: BRCA2 c.4981_4982insGAAT (p.Tyr1661X) results in a premature termination codon, predicted to cause a truncation of the encoded protein or absence of the protein due to nonsense mediated decay, which are commonly known mechanisms for disease. Truncations downstream of this position have been classified as pathogenic by our laboratory. The variant was absent in 236958 control chromosomes. c.4981_4982insGAAT has been reported in the literature in at least one individual affected with lung cancer. To our knowledge, no experimental evidence demonstrating an impact on protein function has been reported. No clinical diagnostic laboratories have submitted clinical-significance assessments for this variant to ClinVar after 2014. Based on the evidence outlined above, the variant was classified as pathogenic.

Quest Diagnostics Nichols Institute San Juan Capistrano
Classification: Likely pathogenic. Last evaluated: 2022-09-12. Review status: criteria provided, single submitter. Criteria: Quest Diagnostics criteria. Collection method: clinical testing. Allele origin: unknown.
Comment: This variant is predicted to cause the premature termination of BRCA2 protein synthesis. The variant has not been reported in individuals with BRCA2-related diseases in the published literature. It also has not been reported in large, multi-ethnic general populations. Based on the available information, this variant is classified as likely pathogenic.

Labcorp Genetics (formerly Invitae), Labcorp
Classification: Pathogenic for Hereditary breast ovarian cancer syndrome. Last evaluated: 2022-06-29. Review status: criteria provided, single submitter. Criteria: Invitae Variant Classification Sherloc (09022015). Collection method: clinical testing. Allele origin: germline.
Comment: This variant is not present in population databases (gnomAD no frequency). This sequence change creates a premature translational stop signal (p.Tyr1661*) in the BRCA2 gene. It is expected to result in an absent or disrupted protein product. Loss-of-function variants in BRCA2 are known to be pathogenic (PMID: 20104584). This premature translational stop signal has been observed in individual(s) with breast and/or ovarian cancer (PMID: 30555256). For these reasons, this variant has been classified as Pathogenic.

Literature cited by the submitters: PubMed 31721094 (cited by Women's Health and Genetics/Laboratory Corporation of America, LabCorp); PubMed 20104584 (cited by Labcorp Genetics (formerly Invitae), Labcorp); PubMed 30555256 (cited by Labcorp Genetics (formerly Invitae), Labcorp).

NM_000059.4(BRCA2):c.4981_4982insGAAT (p.Tyr1661Ter)

Gene: BRCA2 (BRCA2 DNA repair associated; plus strand). Cytogenetic location: 13q13.1.
Variant type: Insertion.
Coding change: c.4981_4982insGAAT on transcript NM_000059.4 (MANE Select); coding-DNA positions 4981 to 4982, GAAT inserted.
Protein change: p.Tyr1661Ter; replaces tyrosine 1661 with a stop codon.
Molecular consequence: nonsense. On other transcripts: frameshift variant (2).
Genome position: GRCh38 VCF-style: chr13-32339335-T-TTGAA. GRCh37 (hg19) VCF-style: chr13-32913472-T-TTGAA.
Other names: c.4981_4982insGAAT, p.Tyr1661Terfs (NM_001406719.1, NM_001406720.1); short protein forms Y1661*.
Identifiers: ClinVar variation 1804791 (VCV001804791.7), dbSNP rs2548529743, ClinGen allele CA2580087320.